The following is an entry in ClinVar:

NM_018418.5(SPATA7):c.361A>G (p.Thr121Ala)

Gene: SPATA7 (spermatogenesis associated 7; plus strand). Cytogenetic location: 14q31.3.
Variant type: single nucleotide variant.
Coding change: c.361A>G on transcript NM_018418.5 (MANE Select); coding-DNA position 361, A replaced by G.
Protein change: p.Thr121Ala; replaces threonine 121 with alanine.
Molecular consequence: missense variant.
Genome position (GRCh38, 1-based): chr14:88,416,833, A>G. VCF-style: chr14-88416833-A-G. GRCh37 (hg19) VCF-style: chr14-88883177-A-G.
Other names: c.265A>G, p.Thr89Ala (NM_001040428.4); short protein forms T121A, T89A.
Identifiers: ClinVar variation 2014393 (VCV002014393.4), dbSNP rs2504193076, ClinGen allele CA390557233.

ClinVar aggregate classification (germline): Uncertain significance (1 of 4 stars; one submission).

Conditions:
Leber congenital amaurosis 3 (LCA3). Also called: SPATA7-Related Retinitis Pigmentosa. Identifiers: MedGen C1858677, MONDO:0011415, OMIM 604232.

Submission:

Labcorp Genetics (formerly Invitae), Labcorp
Classification: Uncertain significance for Leber congenital amaurosis 3. Last evaluated: 2025-03-17. Review status: criteria provided, single submitter. Criteria: Invitae Variant Classification Sherloc (09022015). Collection method: clinical testing. Allele origin: germline.
Comment: This sequence change replaces threonine, which is neutral and polar, with alanine, which is neutral and non-polar, at codon 121 of the SPATA7 protein (p.Thr121Ala). This variant is not present in population databases (gnomAD no frequency). This variant has not been reported in the literature in individuals affected with SPATA7-related conditions. ClinVar contains an entry for this variant (Variation ID: 2014393). Invitae Evidence Modeling of protein sequence and biophysical properties (such as structural, functional, and spatial information, amino acid conservation, physicochemical variation, residue mobility, and thermodynamic stability) indicates that this missense variant is not expected to disrupt SPATA7 protein function with a negative predictive value of 80%. In summary, the available evidence is currently insufficient to determine the role of this variant in disease. Therefore, it has been classified as a Variant of Uncertain Significance.